The following is an entry in ClinVar:

ClinVar aggregate classification (germline): Uncertain significance (1 of 4 stars; one submission).

Submission:

Greenwood Genetic Center Diagnostic Laboratories, Greenwood Genetic Center
Classification: Uncertain significance. Last evaluated: 2026-04-29. Review status: criteria provided, single submitter. Criteria: ACMG Guidelines, 2015. Collection method: clinical testing. Allele origin: germline.
Comment: PM2, BP4

NM_000153.4(GALC):c.1671-579G>A

Gene: GALC (galactosylceramidase; minus strand). Cytogenetic location: 14q31.3.
Variant type: single nucleotide variant.
Coding change: c.1671-579G>A on transcript NM_000153.4 (MANE Select); 579 bases into the intron before coding-DNA position 1671, G replaced by A.
Molecular consequence: intron variant.
Genome position (GRCh38, 1-based): chr14:87,942,137, C>T on the plus strand (G>A on the coding strand, the complement: GALC is on the minus strand). VCF-style: chr14-87942137-C-T. GRCh37 (hg19) VCF-style: chr14-88408481-C-T.
Other names: c.1038-579G>A (NM_001424076.1, NM_001424077.1); c.1593-579G>A (NM_001201402.2); c.1602-579G>A (NM_001201401.2); c.1323-579G>A (NM_001424075.1, NM_001424074.1); c.1503-579G>A (NM_001424072.1, NM_001424073.1, NM_001424071.1).
Identifiers: ClinVar variation 4891052 (VCV004891052.1).